The following is an entry in ClinVar:

NM_001042492.3(NF1):c.5856del (p.Trp1952fs)

Gene: NF1 (neurofibromin 1; plus strand). Cytogenetic location: 17q11.2.
Variant type: Deletion.
Coding change: c.5856del on transcript NM_001042492.3 (MANE Select); coding-DNA position 5856, one base deleted (G; older notation c.5856delG).
Protein change: p.Trp1952fs; shifts the reading frame from tryptophan 1952.
Molecular consequence: frameshift variant.
Genome position (GRCh38, 1-based): chr17:31,334,881, G deleted; the last of 2 consecutive G bases (chr17:31,334,880-31,334,881); deleting either gives the same sequence. VCF-style (leftmost placement, unchanged base first): chr17-31334879-TG-T. GRCh37 (hg19) VCF-style: chr17-29661897-TG-T.
Other names: c.5793delG, p.Trp1931Cysfs (NM_000267.4); short protein forms W1931fs, W1952fs.
Identifiers: ClinVar variation 2771897 (VCV002771897.3), dbSNP rs2508736417, ClinGen allele CA2697559584.

ClinVar aggregate classification (germline): Pathogenic (1 of 4 stars; one submission).

Conditions:
Neurofibromatosis, type 1 (NF1). Also called: VON RECKLINGHAUSEN DISEASE; Neurofibromatosis, type I; NEUROFIBROMATOSIS, TYPE I, SOMATIC; Peripheral type neurofibromatosis. Identifiers: Orphanet 636, MedGen C0027831, MONDO:0018975, OMIM 162200. Disease mechanism: loss of function.

Submission:

Labcorp Genetics (formerly Invitae), Labcorp
Classification: Pathogenic for Neurofibromatosis, type 1. Last evaluated: 2023-10-28. Review status: criteria provided, single submitter. Criteria: Invitae Variant Classification Sherloc (09022015). Collection method: clinical testing. Allele origin: germline.
Comment: This sequence change creates a premature translational stop signal (p.Trp1931Cysfs*5) in the NF1 gene. It is expected to result in an absent or disrupted protein product. Loss-of-function variants in NF1 are known to be pathogenic (PMID: 10712197, 23913538). This variant is not present in population databases (gnomAD no frequency). This variant has not been reported in the literature in individuals affected with NF1-related conditions. For these reasons, this variant has been classified as Pathogenic.

Literature cited by the submitters: PubMed 10712197; PubMed 23913538.